The following is an entry in ClinVar:

ClinVar aggregate classification (germline): Likely benign. Review status: criteria provided, single submitter (1 of 4 stars). 2 submissions from 2 submitters: Likely benign (1). 1 of the submissions does not count toward it. Last evaluated 2023-10-24.

Conditions:
PHIP-related disorder. Also called: PHIP-related condition; PHIP-related disorders.

Allele frequency attached by ClinVar (database versions not stated): gnomAD exomes below 0.00001; TOPMed below 0.00001.
gnomAD v4.1: 2 of 1,582,740 alleles (0.00013%); highest among the groups gnomAD compares: Non-Finnish European, 0.00017%; no homozygotes.

Submissions (2):

Labcorp Genetics (formerly Invitae), Labcorp
Classification: Likely benign. Last evaluated: 2023-10-24. Review status: criteria provided, single submitter. Criteria: Invitae Variant Classification Sherloc (09022015). Collection method: clinical testing. Allele origin: germline.

PreventionGenetics, part of Exact Sciences
Classification: Likely benign for PHIP-related condition. Last evaluated: 2024-03-07. Review status: no assertion criteria provided. Collection method: clinical testing. Allele origin: germline. Not counted in ClinVar's aggregate classification.
Comment: This variant is classified as likely benign based on ACMG/AMP sequence variant interpretation guidelines (Richards et al. 2015 PMID: 25741868, with internal and published modifications).

NM_017934.7(PHIP):c.2442T>C (p.Asn814=)

Gene: PHIP (PHIP subunit of CUL4-Ring ligase complex; minus strand). Cytogenetic location: 6q14.1.
Variant type: single nucleotide variant.
Coding change: c.2442T>C on transcript NM_017934.7 (MANE Select); coding-DNA position 2442, T replaced by C.
Protein change: p.Asn814=; no amino-acid change (asparagine 814 retained).
Molecular consequence: synonymous variant.
Genome position (GRCh38, 1-based): chr6:78,988,227, A>G on the plus strand (T>C on the coding strand, the complement: PHIP is on the minus strand). VCF-style: chr6-78988227-A-G. GRCh37 (hg19) VCF-style: chr6-79697944-A-G.
Other names: c.2442T>C (NM_017934.6).
Identifiers: ClinVar variation 2807363 (VCV002807363.4), dbSNP rs1204373681, ClinGen allele CA451028177.